The following is an entry in ClinVar:

NM_006922.4(SCN3A):c.4745A>T (p.His1582Leu)

Gene: SCN3A (sodium voltage-gated channel alpha subunit 3; minus strand). Cytogenetic location: 2q24.3.
Variant type: single nucleotide variant.
Coding change: c.4745A>T on transcript NM_006922.4 (MANE Select); coding-DNA position 4745, A replaced by T.
Protein change: p.His1582Leu; replaces histidine 1582 with leucine.
Molecular consequence: missense variant.
Genome position (GRCh38, 1-based): chr2:165,092,316, T>A on the plus strand (A>T on the coding strand, the complement: SCN3A is on the minus strand). VCF-style: chr2-165092316-T-A. GRCh37 (hg19) VCF-style: chr2-165948826-T-A.
Other names: c.4598A>T, p.His1533Leu (NM_001081676.2, NM_001081677.2); short protein forms H1533L, H1582L.
Identifiers: ClinVar variation 3902969 (VCV003902969.2).

ClinVar aggregate classification (germline): Uncertain significance (1 of 4 stars; one submission).

Submission:

GeneDx
Classification: Uncertain significance. Last evaluated: 2026-08-24. Review status: criteria provided, single submitter. Criteria: GeneDx Variant Classification Process June 2021. Collection method: clinical testing. Allele origin: germline.
Comment: Not observed at significant frequency in large population cohorts (gnomAD); In silico analysis supports that this missense variant has a deleterious effect on protein structure/function; Has not been previously published as pathogenic or benign to our knowledge